The following is an entry in ClinVar:

ClinVar aggregate classification (germline): Uncertain significance (1 of 4 stars; one submission).

gnomAD v4.1: 1 of 1,211,316 alleles (0.000083%); no homozygotes.

Submission:

Labcorp Genetics (formerly Invitae), Labcorp
Classification: Uncertain significance. Last evaluated: 2025-06-12. Review status: criteria provided, single submitter. Criteria: Invitae Variant Classification Sherloc (09022015). Collection method: clinical testing. Allele origin: germline.
Comment: This sequence change replaces valine, which is neutral and non-polar, with isoleucine, which is neutral and non-polar, at codon 1652 of the COL4A5 protein (p.Val1652Ile). This variant is not present in population databases (gnomAD no frequency). This variant has not been reported in the literature in individuals affected with COL4A5-related conditions. ClinVar contains an entry for this variant (Variation ID: 1001805). Invitae Evidence Modeling of protein sequence and biophysical properties (such as structural, functional, and spatial information, amino acid conservation, physicochemical variation, residue mobility, and thermodynamic stability) indicates that this missense variant is not expected to disrupt COL4A5 protein function with a negative predictive value of 95%. In summary, the available evidence is currently insufficient to determine the role of this variant in disease. Therefore, it has been classified as a Variant of Uncertain Significance.

NM_033380.3(COL4A5):c.4972G>A (p.Val1658Ile)

Gene: COL4A5 (collagen type IV alpha 5 chain; plus strand). Cytogenetic location: Xq22.3.
Variant type: single nucleotide variant.
Coding change: c.4972G>A on transcript NM_033380.3 (MANE Select); coding-DNA position 4972, G replaced by A.
Protein change: p.Val1658Ile; replaces valine 1658 with isoleucine.
Molecular consequence: missense variant.
Genome position (GRCh38, 1-based): chrX:108,695,417, G>A. VCF-style: chrX-108695417-G-A. GRCh37 (hg19) VCF-style: chrX-107938647-G-A.
Other names: c.4954G>A, p.Val1652Ile (NM_000495.5); short protein forms V1652I, V1658I.
Identifiers: ClinVar variation 1001805 (VCV001001805.7), dbSNP rs2068718130, ClinGen allele CA414132965.